The following is an entry in ClinVar:

NM_007348.4(ATF6):c.7G>T (p.Glu3Ter)

Gene: ATF6 (activating transcription factor 6; plus strand). Cytogenetic location: 1q23.3.
Variant type: single nucleotide variant.
Coding change: c.7G>T on transcript NM_007348.4 (MANE Select); coding-DNA position 7, G replaced by T.
Protein change: p.Glu3Ter; replaces glutamic acid 3 with a stop codon.
Molecular consequence: nonsense.
Genome position (GRCh38, 1-based): chr1:161,766,367, G>T. VCF-style: chr1-161766367-G-T. GRCh37 (hg19) VCF-style: chr1-161736157-G-T.
Other names: short protein forms E3*.
Identifiers: ClinVar variation 1457758 (VCV001457758.6), dbSNP rs778741081, ClinGen allele CA1214052.

ClinVar aggregate classification (germline): Pathogenic (1 of 4 stars; one submission).

Allele frequency attached by ClinVar (database versions not stated): gnomAD 0.00001.

Submission:

Labcorp Genetics (formerly Invitae), Labcorp
Classification: Pathogenic. Last evaluated: 2025-02-26. Review status: criteria provided, single submitter. Criteria: Invitae Variant Classification Sherloc (09022015). Collection method: clinical testing. Allele origin: germline.
Comment: This sequence change creates a premature translational stop signal (p.Glu3*) in the ATF6 gene. It is expected to result in an absent or disrupted protein product. Loss-of-function variants in ATF6 are known to be pathogenic (PMID: 26029869, 26063662, 26070061). This variant is present in population databases (rs778741081, gnomAD 0.003%). This variant has not been reported in the literature in individuals affected with ATF6-related conditions. ClinVar contains an entry for this variant (Variation ID: 1457758). Algorithms developed to predict the effect of sequence changes on RNA splicing suggest that this variant may disrupt the consensus splice site. For these reasons, this variant has been classified as Pathogenic.

Literature cited by the submitters: PubMed 26029869; PubMed 26063662; PubMed 26070061.